The following is an entry in ClinVar:

NM_005138.3(SCO2):c.755_758del (p.Asp252fs)

Genes: NCAPH2 (non-SMC condensin II complex subunit H2; plus strand), SCO2 (synthesis of cytochrome C oxidase 2; minus strand). Cytogenetic location: 22q13.33.
Variant type: Deletion.
Coding change: c.755_758del on transcript NM_005138.3 (MANE Select); coding-DNA positions 755 to 758, 4 bases deleted (ACAG; older notation c.755_758delACAG).
Protein change: p.Asp252fs; shifts the reading frame from aspartic acid 252.
Molecular consequence: frameshift variant. On other transcripts: 3 prime UTR variant (2).
Genome position (GRCh38, 1-based): chr22:50,523,654-50,523,657, CTGT deleted on the plus strand (ACAG on the coding strand, the reverse complement: SCO2 is on the minus strand); deleting any 4 consecutive bases within chr22:50,523,654-50,523,660 gives the same sequence; the c. name uses the placement nearest the transcript's 3' end. VCF-style (leftmost placement, unchanged base first): chr22-50523653-ACTGT-A. GRCh37 (hg19) VCF-style: chr22-50962082-ACTGT-A.
Other names: c.*282_*285del (NM_001185011.2, NM_152299.4); c.755_758del, p.Asp252fs (NM_001169109.2, NM_001169110.1, NM_001169111.2); short protein forms D252fs.
Identifiers: ClinVar variation 1424997 (VCV001424997.4), dbSNP rs774544201, ClinGen allele CA10321115.

ClinVar aggregate classification (germline): Conflicting classifications of pathogenicity. Review status: criteria provided, conflicting classifications (1 of 4 stars). 2 submissions from 2 submitters: Likely pathogenic (1); Uncertain significance (1). Last evaluated 2024-03-09.

Conditions:
Cardioencephalomyopathy, fatal infantile, due to cytochrome c oxidase deficiency 1 (MC4DN2). Also called: CYTOCHROME c OXIDASE DEFICIENCY, FATAL INFANTILE, WITH CARDIOENCEPHALOMYOPATHY; MITOCHONDRIAL COMPLEX IV DEFICIENCY, NUCLEAR TYPE 2. Identifiers: Orphanet 1561, MedGen C5399977, MONDO:0011451, OMIM 604377.
Myopia 6 (MYP6). Identifiers: MedGen C1837148, MONDO:0012154, OMIM 608908.

Submissions (2):

Fulgent Genetics
Classification: Likely pathogenic for Cardioencephalomyopathy, fatal infantile, due to cytochrome c oxidase deficiency 1; Myopia 6. Last evaluated: 2024-03-09. Review status: criteria provided, single submitter. Criteria: ACMG Guidelines, 2015. Collection method: clinical testing. Allele origin: germline.

Labcorp Genetics (formerly Invitae), Labcorp
Classification: Uncertain significance. Last evaluated: 2022-08-17. Review status: criteria provided, single submitter. Criteria: Invitae Variant Classification Sherloc (09022015). Collection method: clinical testing. Allele origin: germline.
Comment: This sequence change results in a frameshift in the SCO2 gene (p.Asp252Valfs*24). While this is not anticipated to result in nonsense mediated decay, it is expected to disrupt the last 15 amino acid(s) of the SCO2 protein and extend the protein by 8 additional amino acid residues. This variant is present in population databases (rs774544201, gnomAD 0.002%). This variant has not been reported in the literature in individuals affected with SCO2-related conditions. ClinVar contains an entry for this variant (Variation ID: 1424997). Experimental studies and prediction algorithms are not available or were not evaluated, and the functional significance of this variant is currently unknown. In summary, the available evidence is currently insufficient to determine the role of this variant in disease. Therefore, it has been classified as a Variant of Uncertain Significance.